The following is an entry in ClinVar:

NM_001127217.3(SMAD9):c.668C>G (p.Ser223Ter)

Gene: SMAD9 (SMAD family member 9; minus strand). Cytogenetic location: 13q13.3.
Variant type: single nucleotide variant.
Coding change: c.668C>G on transcript NM_001127217.3 (MANE Select); coding-DNA position 668, C replaced by G.
Protein change: p.Ser223Ter; replaces serine 223 with a stop codon.
Molecular consequence: nonsense.
Genome position (GRCh38, 1-based): chr13:36,872,660, G>C on the plus strand (C>G on the coding strand, the complement: SMAD9 is on the minus strand). VCF-style: chr13-36872660-G-C. GRCh37 (hg19) VCF-style: chr13-37446797-G-C.
Other names: c.668C>G, p.Ser223Ter (NM_001378621.1, NM_005905.6); short protein forms S223*.
Identifiers: ClinVar variation 3707978 (VCV003707978.2).
Genomic context (GRCh38, chr13:36,872,660, plus strand): 5'-AATCATGATGTTGGGCTTATTTTCCCGTATTTCCCCACAGACCATAGTTCTTACTGACCT[G>C]AGTGTTGATAGGGACTCTCTGGCTCAGAAGGACTTCCTGGGGAGTGAGGGTAGCTGGCCG-3'

ClinVar aggregate classification (germline): Pathogenic (1 of 4 stars; one submission).

Conditions:
Pulmonary hypertension, primary, 2. Identifiers: Orphanet 422, MedGen C3888002, MONDO:0014134, OMIM 615342.

gnomAD v4.1: 8 of 1,613,896 alleles (0.0005%); highest among the groups gnomAD compares: Non-Finnish European, 0.00059%; no homozygotes.

Submission:

Labcorp Genetics (formerly Invitae), Labcorp
Classification: Pathogenic for Pulmonary hypertension, primary, 2. Last evaluated: 2025-07-29. Review status: criteria provided, single submitter. Criteria: Invitae Variant Classification Sherloc (09022015). Collection method: clinical testing. Allele origin: germline.
Comment: This sequence change creates a premature translational stop signal (p.Ser223*) in the SMAD9 gene. It is expected to result in an absent or disrupted protein product. Loss-of-function variants in SMAD9 are known to be pathogenic (PMID: 19419974, 31727138). This variant is present in population databases (no rsID available, gnomAD 0.0009%). This variant has not been reported in the literature in individuals affected with SMAD9-related conditions. ClinVar contains an entry for this variant (Variation ID: 3707978). For these reasons, this variant has been classified as Pathogenic.

Literature cited by the submitters: PubMed 19419974; PubMed 31727138.